The following is an entry in ClinVar:

NM_000474.4(TWIST1):c.75C>A (p.Asp25Glu)

Gene: TWIST1 (twist family bHLH transcription factor 1; minus strand). Cytogenetic location: 7p21.1.
Variant type: single nucleotide variant.
Coding change: c.75C>A on transcript NM_000474.4 (MANE Select); coding-DNA position 75, C replaced by A.
Protein change: p.Asp25Glu; replaces aspartic acid 25 with glutamic acid.
Molecular consequence: missense variant. On other transcripts: non-coding transcript variant (1).
Genome position (GRCh38, 1-based): chr7:19,117,247, G>T on the plus strand (C>A on the coding strand, the complement: TWIST1 is on the minus strand). VCF-style: chr7-19117247-G-T. GRCh37 (hg19) VCF-style: chr7-19156870-G-T.
Other names: short protein forms D25E.
Identifiers: ClinVar variation 2404683 (VCV002404683.4), dbSNP rs1208022905, ClinGen allele CA367016195.

ClinVar aggregate classification (germline): Uncertain significance. Review status: criteria provided, multiple submitters, no conflicts (2 of 4 stars). 2 submissions from 2 submitters: Uncertain significance (2). Last evaluated 2026-01-06.

Conditions:
Inborn genetic diseases. Identifiers: MedGen C0950123, MeSH D030342.

Allele frequency attached by ClinVar (database versions not stated): gnomAD exomes 0.00001; gnomAD 0.00002; TOPMed 0.00003.
gnomAD v4.1: 18 of 1,449,704 alleles (0.0012%); highest among the groups gnomAD compares: African/African-American, 0.0074%; no homozygotes.

Submissions (2):

Women's Health and Genetics/Laboratory Corporation of America, LabCorp
Classification: Uncertain significance. Last evaluated: 2026-01-06. Review status: criteria provided, single submitter. Criteria: LabCorp Variant Classification Summary - May 2015. Collection method: clinical testing. Allele origin: germline.
Comment: Variant summary: TWIST1 c.75C>A (p.Asp25Glu) results in a conservative amino acid change in the encoded protein sequence. Algorithms developed to predict the effect of missense changes on protein structure and function are either unavailable or do not agree on the potential impact of this missense change. The frequency data for this variant in gnomAD is considered unreliable, as metrics indicate poor data quality at this position. To our knowledge, no occurrence of c.75C>A in individuals affected with TWIST1-related conditions and no experimental evidence demonstrating its impact on protein function have been reported. ClinVar contains an entry for this variant (Variation ID: 2404683). Based on the evidence outlined above, the variant was classified as uncertain significance.

Ambry Genetics
Classification: Uncertain significance for Inborn genetic diseases. Last evaluated: 2025-08-05. Review status: criteria provided, single submitter. Criteria: Ambry Variant Classification Scheme 2023. Collection method: clinical testing. Allele origin: germline.